The following is an entry in ClinVar:

ClinVar aggregate classification (germline): Benign. Review status: criteria provided, multiple submitters, no conflicts (2 of 4 stars). 4 submissions from 4 submitters: Benign (3). 1 of the submissions does not count toward it. Last evaluated 2026-01-25.

Conditions:
CRADD-related disorder. Also called: CRADD-related condition.

Allele frequency attached by ClinVar (database versions not stated): gnomAD 0.01507 and 0.01629; TOPMed 0.01686; 1000 Genomes Project 0.01717; 1000 Genomes Project 30x 0.01858; ESP Exome Variant Server 0.01870.
gnomAD v4.1: 4,519 of 1,610,486 alleles (0.28%); highest among the groups gnomAD compares: African/African-American, 5.3%; 127 homozygotes.

Submissions (4):

Labcorp Genetics (formerly Invitae), Labcorp
Classification: Benign. Last evaluated: 2026-01-25. Review status: criteria provided, single submitter. Criteria: Invitae Variant Classification Sherloc (09022015). Collection method: clinical testing. Allele origin: germline.

GeneDx
Classification: Benign. Last evaluated: 2021-05-04. Review status: criteria provided, single submitter. Criteria: GeneDx Variant Classification Process June 2021. Collection method: clinical testing. Allele origin: germline. Affected: yes.

Breakthrough Genomics
Classification: Benign. Review status: criteria provided, single submitter. Criteria: ACMG Guidelines, 2015. Collection method: not provided. Allele origin: germline. Inheritance: Autosomal recessive inheritance. Affected: yes.

PreventionGenetics, part of Exact Sciences
Classification: Likely benign for CRADD-related condition. Last evaluated: 2019-12-05. Review status: no assertion criteria provided. Collection method: clinical testing. Allele origin: germline. Not counted in ClinVar's aggregate classification.
Comment: This variant is classified as likely benign based on ACMG/AMP sequence variant interpretation guidelines (Richards et al. 2015 PMID: 25741868, with internal and published modifications).

NM_003805.5(CRADD):c.554G>A (p.Arg185Gln)

Gene: CRADD (CARD and death domain containing adaptor protein; plus strand). Cytogenetic location: 12q22.
Variant type: single nucleotide variant.
Coding change: c.554G>A on transcript NM_003805.5 (MANE Select); coding-DNA position 554, G replaced by A.
Protein change: p.Arg185Gln; replaces arginine 185 with glutamine.
Molecular consequence: missense variant. On other transcripts: intron variant (1).
Genome position (GRCh38, 1-based): chr12:93,850,225, G>A. VCF-style: chr12-93850225-G-A. GRCh37 (hg19) VCF-style: chr12-94244001-G-A.
Other names: c.554G>A, p.Arg185Gln (NM_001320099.2); c.299-43825G>A (NM_001320100.2); short protein forms R185Q.
Identifiers: ClinVar variation 785421 (VCV000785421.15), dbSNP rs73365258, ClinGen allele CA6720255.